The following is an entry in ClinVar:

ClinVar aggregate classification (germline): Uncertain significance. Review status: criteria provided, multiple submitters, no conflicts (2 of 4 stars). 2 submissions from 2 submitters: Uncertain significance (2). Last evaluated 2025-08-14.

Conditions:
Inborn genetic diseases. Identifiers: MedGen C0950123, MeSH D030342.
PCNT-related disorder. Also called: PCNT-related condition.

Allele frequency attached by ClinVar (database versions not stated): gnomAD 0.00003; 1000 Genomes Project 30x 0.00016; 1000 Genomes Project 0.00020.
gnomAD v4.1: 27 of 1,613,286 alleles (0.0017%); highest among the groups gnomAD compares: Admixed American, 0.0083%; no homozygotes.

Submissions (2):

PreventionGenetics, part of Exact Sciences
Classification: Uncertain significance for PCNT-related condition. Last evaluated: 2025-08-14. Review status: criteria provided, single submitter. Criteria: ACMG Guidelines, 2015. Collection method: clinical testing. Allele origin: germline.
Comment: The PCNT c.9757C>T variant is predicted to result in the amino acid substitution p.Arg3253Trp. To our knowledge, this variant has not been reported in the literature. This variant is reported in 0.0058% of alleles in individuals of Latino descent in gnomAD. At this time, the clinical significance of this variant is uncertain due to the absence of conclusive functional and genetic evidence.

Ambry Genetics
Classification: Uncertain significance for Inborn genetic diseases. Last evaluated: 2025-06-07. Review status: criteria provided, single submitter. Criteria: Ambry Variant Classification Scheme 2023. Collection method: clinical testing. Allele origin: germline.

NM_006031.6(PCNT):c.9757C>T (p.Arg3253Trp)

Gene: PCNT (pericentrin; plus strand). Cytogenetic location: 21q22.3.
Variant type: single nucleotide variant.
Coding change: c.9757C>T on transcript NM_006031.6 (MANE Select); coding-DNA position 9757, C replaced by T.
Protein change: p.Arg3253Trp; replaces arginine 3253 with tryptophan.
Molecular consequence: missense variant.
Genome position (GRCh38, 1-based): chr21:46,443,866, C>T. VCF-style: chr21-46443866-C-T. GRCh37 (hg19) VCF-style: chr21-47863779-C-T.
Other names: c.9166C>T, p.Arg3056Trp (NM_001315529.2); short protein forms R3056W, R3253W.
Identifiers: ClinVar variation 2311080 (VCV002311080.4), dbSNP rs201316266, ClinGen allele CA10081469.
Genomic context (GRCh38, chr21:46,443,866, plus strand): 5'-GAAGGGCCCCGAGCACGACAGCCGCAGTCTCCACCCAGAACCAGAGAGTCCCCCCCAACC[C>T]GGGATGTACCCTCTGGCCACACCAGGGACCCTGCCAGAGGCCGCAGACTGGCAGCAGCAG-3'
Protein context (NP_006022.3, residues 3243-3263): PPRTRESPPT[Arg3253Trp]DVPSGHTRDP